The following is an entry in ClinVar:

NM_000051.4(ATM):c.6525G>A (p.Arg2175=)

Genes: ATM (ATM serine/threonine kinase; plus strand), C11orf65 (chromosome 11 open reading frame 65; minus strand). Cytogenetic location: 11q22.3.
Variant type: single nucleotide variant.
Coding change: c.6525G>A on transcript NM_000051.4 (MANE Select); coding-DNA position 6525, G replaced by A.
Protein change: p.Arg2175=; no amino-acid change (arginine 2175 retained).
Molecular consequence: synonymous variant. On other transcripts: intron variant (2).
Genome position (GRCh38, 1-based): chr11:108,321,373, G>A. VCF-style: chr11-108321373-G-A. GRCh37 (hg19) VCF-style: chr11-108192100-G-A.
Other names: c.6525G>A, p.Arg2175= (NM_001351834.2); c.641-12302C>T (NM_001330368.2); c.*39-12302C>T (NM_001351110.2).
Identifiers: ClinVar variation 453633 (VCV000453633.12), dbSNP rs1555117190, ClinGen allele CA476676203.

ClinVar aggregate classification (germline): Benign/Likely benign. Review status: criteria provided, multiple submitters, no conflicts (2 of 4 stars). 3 submissions from 3 submitters: Benign (1); Likely benign (2). Last evaluated 2024-06-06.

Conditions:
Hereditary cancer-predisposing syndrome. Also called: Neoplastic Syndromes, Hereditary; Hereditary Cancer Syndrome; Tumor predisposition; Hereditary neoplastic syndrome. Identifiers: Orphanet 140162, MedGen C0027672, MeSH D009386, MONDO:0015356.
Ataxia-telangiectasia syndrome (AT). Also called: LOUIS-BAR SYNDROME; Cerebello-oculocutaneous telangiectasia; Immunodeficiency with ataxia telangiectasia; Ataxia-telangiectasia, complementation group D; AT, COMPLEMENTATION GROUP C; Ataxia-telangiectasia, complementation group E. Identifiers: Orphanet 100, MedGen C0004135, MONDO:0008840, OMIM 208900.
Familial cancer of breast. Also called: Hereditary breast cancer; BREAST CANCER, FAMILIAL; hereditary breast carcinoma. Identifiers: Orphanet 227535, MedGen C0346153, MONDO:0016419, OMIM 114480. Disease mechanism: loss of function.

Submissions (3):

Myriad Genetics, Inc.
Classification: Benign for Familial cancer of breast. Last evaluated: 2024-06-06. Review status: criteria provided, single submitter. Criteria: Myriad Autosomal Dominant, Autosomal Recessive and X-Linked Classification Criteria (2023). Collection method: clinical testing. Allele origin: unknown.
Comment: This variant is considered benign. This variant is a silent/synonymous amino acid change and it is not expected to impact splicing.

Ambry Genetics
Classification: Likely benign for Hereditary cancer-predisposing syndrome. Last evaluated: 2023-09-21. Review status: criteria provided, single submitter. Criteria: Ambry Variant Classification Scheme 2023. Collection method: clinical testing. Allele origin: germline.

Labcorp Genetics (formerly Invitae), Labcorp
Classification: Likely benign for Ataxia-telangiectasia syndrome. Last evaluated: 2017-02-10. Review status: criteria provided, single submitter. Criteria: Invitae Variant Classification Sherloc (09022015). Collection method: clinical testing. Allele origin: germline.